The following is an entry in ClinVar:

NM_001127178.3(PIGG):c.2923A>G (p.Met975Val)

Gene: PIGG (phosphatidylinositol glycan anchor biosynthesis class G (EMM blood group); plus strand). Cytogenetic location: 4p16.3.
Variant type: single nucleotide variant.
Coding change: c.2923A>G on transcript NM_001127178.3 (MANE Select); coding-DNA position 2923, A replaced by G.
Protein change: p.Met975Val; replaces methionine 975 with valine.
Molecular consequence: missense variant. On other transcripts: non-coding transcript variant (10).
Genome position (GRCh38, 1-based): chr4:539,340, A>G. VCF-style: chr4-539340-A-G. GRCh37 (hg19) VCF-style: chr4-533129-A-G.
Other names: c.2923A>G (NM_001127178.1); c.2656A>G, p.Met886Val (NM_001289051.2, NM_001345986.2); c.2524A>G, p.Met842Val (NM_001289052.2); c.2632A>G, p.Met878Val (NM_001345987.2); c.1894A>G, p.Met632Val (NM_001345988.2); c.1390A>G, p.Met464Val (NM_001345990.2, NM_001345991.2); c.1825A>G, p.Met609Val (NM_001345994.2); c.2899A>G, p.Met967Val (NM_017733.5); short protein forms M609V, M632V, M967V, M842V, M878V, M886V, M464V, M975V.
Identifiers: ClinVar variation 1422546 (VCV001422546.8), dbSNP rs566081568, ClinGen allele CA2793787.

ClinVar aggregate classification (germline): Uncertain significance. Review status: criteria provided, multiple submitters, no conflicts (2 of 4 stars). 2 submissions from 2 submitters: Uncertain significance (2). Last evaluated 2025-08-30.

Conditions:
Inborn genetic diseases. Identifiers: MedGen C0950123, MeSH D030342.
Intellectual disability, autosomal recessive 53 (NEDHSCA). Also called: Mental retardation, autosomal recessive 53; GLYCOSYLPHOSPHATIDYLINOSITOL BIOSYNTHESIS DEFECT 13; NEURODEVELOPMENTAL DISORDER WITH OR WITHOUT HYPOTONIA, SEIZURES, AND CEREBELLAR ATROPHY. Identifiers: Orphanet 488635, MedGen C4310794, MONDO:0014832, OMIM 616917.

Allele frequency attached by ClinVar (database versions not stated): gnomAD exomes 0.00002.
gnomAD v4.1: 36 of 1,612,148 alleles (0.0022%); highest among the groups gnomAD compares: South Asian, 0.0066%; no homozygotes.

Submissions (3):

Ambry Genetics
Classification: Uncertain significance for Inborn genetic diseases. Last evaluated: 2025-08-30. Review status: criteria provided, single submitter. Criteria: Ambry Variant Classification Scheme 2023. Collection method: clinical testing. Allele origin: germline.

Labcorp Genetics (formerly Invitae), Labcorp
Classification: Uncertain significance for Intellectual disability, autosomal recessive 53. Last evaluated: 2022-02-12. Review status: criteria provided, single submitter. Criteria: Invitae Variant Classification Sherloc (09022015). Collection method: clinical testing. Allele origin: germline.
Comment: This sequence change replaces methionine, which is neutral and non-polar, with valine, which is neutral and non-polar, at codon 975 of the PIGG protein (p.Met975Val). This variant is present in population databases (rs566081568, gnomAD 0.01%). This variant has not been reported in the literature in individuals affected with PIGG-related conditions. Algorithms developed to predict the effect of missense changes on protein structure and function output the following: SIFT: "Tolerated"; PolyPhen-2: "Benign"; Align-GVGD: "Class C0". The valine amino acid residue is found in multiple mammalian species, which suggests that this missense change does not adversely affect protein function. Algorithms developed to predict the effect of sequence changes on RNA splicing suggest that this variant may create or strengthen a splice site. In summary, the available evidence is currently insufficient to determine the role of this variant in disease. Therefore, it has been classified as a Variant of Uncertain Significance.

Dr. Peter K. Rogan Lab, Western University
No classification provided (evidence only). Condition: Familial cancer of breast. Review status: no classification provided. Collection method: in vitro. Allele origin: not applicable. Functional consequence: retained intron. Not counted in ClinVar's aggregate classification.